The following is an entry in ClinVar:

NM_021830.5(TWNK):c.1438G>A (p.Asp480Asn)

Gene: TWNK (twinkle mtDNA helicase; plus strand). Cytogenetic location: 10q24.31.
Variant type: single nucleotide variant.
Coding change: c.1438G>A on transcript NM_021830.5 (MANE Select); coding-DNA position 1438, G replaced by A.
Protein change: p.Asp480Asn; replaces aspartic acid 480 with asparagine.
Molecular consequence: missense variant. On other transcripts: non-coding transcript variant (5).
Genome position (GRCh38, 1-based): chr10:100,989,838, G>A. VCF-style: chr10-100989838-G-A. GRCh37 (hg19) VCF-style: chr10-102749595-G-A.
Other names: c.1438G>A, p.Asp480Asn (NM_001163812.2); c.76G>A, p.Asp26Asn (NM_001163813.2, NM_001163814.2, NM_001368275.1); short protein forms D26N, D480N.
Identifiers: ClinVar variation 4083203 (VCV004083203.2).

ClinVar aggregate classification (germline): Uncertain significance. Review status: criteria provided, multiple submitters, no conflicts (2 of 4 stars). 2 submissions from 2 submitters: Uncertain significance (2). Last evaluated 2025-03-13.

Submissions (2):

GeneDx
Classification: Uncertain significance. Last evaluated: 2025-03-13. Review status: criteria provided, single submitter. Criteria: GeneDx Variant Classification Process June 2021. Collection method: clinical testing. Allele origin: germline. Affected: yes.
Comment: Not observed at significant frequency in large population cohorts (gnomAD); In silico analysis indicates that this missense variant does not alter protein structure/function; Has not been previously published as pathogenic or benign to our knowledge

Blueprint Genetics
Classification: Uncertain significance. Last evaluated: 2021-06-30. Review status: criteria provided, single submitter. Criteria: ACMG Guidelines, 2015. Collection method: clinical testing. Allele origin: germline.